The following is an entry in ClinVar:

NM_144573.4(NEXN):c.1051A>G (p.Met351Val)

Gene: NEXN (nexilin F-actin binding protein; plus strand). Cytogenetic location: 1p31.1.
Variant type: single nucleotide variant.
Coding change: c.1051A>G on transcript NM_144573.4 (MANE Select); coding-DNA position 1051, A replaced by G.
Protein change: p.Met351Val; replaces methionine 351 with valine.
Molecular consequence: missense variant.
Genome position (GRCh38, 1-based): chr1:77,929,502, A>G. VCF-style: chr1-77929502-A-G. GRCh37 (hg19) VCF-style: chr1-78395187-A-G.
Other names: c.859A>G, p.Met287Val (NM_001172309.2); short protein forms M351V, M287V.
Identifiers: ClinVar variation 1777225 (VCV001777225.3), dbSNP rs773467629, ClinGen allele CA918789.

ClinVar aggregate classification (germline): Uncertain significance. Review status: criteria provided, multiple submitters, no conflicts (2 of 4 stars). 2 submissions from 2 submitters: Uncertain significance (2). Last evaluated 2023-07-17.

Conditions:
Cardiovascular phenotype. Identifiers: MedGen CN230736.

Allele frequency attached by ClinVar (database versions not stated): ExAC 0.00002; gnomAD exomes 0.00002; TOPMed 0.00003; gnomAD 0.00008; 1000 Genomes Project 30x 0.00016.
gnomAD v4.1: 22 of 1,612,204 alleles (0.0014%); highest among the groups gnomAD compares: Admixed American, 0.025%; no homozygotes.

Submissions (2):

Blueprint Genetics
Classification: Uncertain significance. Last evaluated: 2023-07-17. Review status: criteria provided, single submitter. Criteria: ACMG Guidelines, 2015. Collection method: clinical testing. Allele origin: germline.

Ambry Genetics
Classification: Uncertain significance for Cardiovascular phenotype. Last evaluated: 2019-02-27. Review status: criteria provided, single submitter. Criteria: Ambry Variant Classification Scheme 2023. Collection method: clinical testing. Allele origin: germline.
Comment: The p.M351V variant (also known as c.1051A>G), located in coding exon 8 of the NEXN gene, results from an A to G substitution at nucleotide position 1051. The methionine at codon 351 is replaced by valine, an amino acid with highly similar properties. This amino acid position is highly conserved in available vertebrate species. In addition, this alteration is predicted to be deleterious by in silico analysis. Since supporting evidence is limited at this time, the clinical significance of this alteration remains unclear.